The following is an entry in ClinVar:

NM_031293.3(PMFBP1):c.1081C>T (p.Arg361Trp)

Gene: PMFBP1 (polyamine modulated factor 1 binding protein 1; minus strand). Cytogenetic location: 16q22.2.
Variant type: single nucleotide variant.
Coding change: c.1081C>T on transcript NM_031293.3 (MANE Select); coding-DNA position 1081, C replaced by T.
Protein change: p.Arg361Trp; replaces arginine 361 with tryptophan.
Molecular consequence: missense variant.
Genome position (GRCh38, 1-based): chr16:72,136,570, G>A on the plus strand (C>T on the coding strand, the complement: PMFBP1 is on the minus strand). VCF-style: chr16-72136570-G-A. GRCh37 (hg19) VCF-style: chr16-72170469-G-A.
Other names: c.646C>T, p.Arg216Trp (NM_001160213.2); short protein forms R216W, R361W.
Identifiers: ClinVar variation 3049698 (VCV003049698.10), dbSNP rs147286664, ClinGen allele CA8161772.

ClinVar aggregate classification (germline): Likely benign. Review status: criteria provided, multiple submitters, no conflicts (2 of 4 stars). 3 submissions from 3 submitters: Likely benign (2). 1 of the submissions does not count toward it. Last evaluated 2025-09-01.

Conditions:
PMFBP1-related disorder. Also called: PMFBP1-related condition.

Allele frequency attached by ClinVar (database versions not stated): 1000 Genomes Project 0.00140; 1000 Genomes Project 30x 0.00203; ExAC 0.00243; gnomAD 0.00376; ESP Exome Variant Server 0.00408; gnomAD exomes 0.00461.
gnomAD v4.1: 7,327 of 1,613,962 alleles (0.45%); highest among the groups gnomAD compares: Non-Finnish European, 0.55%; 19 homozygotes.

Submissions (3):

CeGaT Center for Human Genetics Tuebingen
Classification: Likely benign. Last evaluated: 2025-09-01. Review status: criteria provided, single submitter. Criteria: CeGaT Center For Human Genetics Tuebingen Variant Classification Criteria Version 2. Collection method: clinical testing. Allele origin: germline. Affected: yes. Observed: 1 variant allele.
Comment: PMFBP1: BP4, BS2

Blueprint Genetics
Classification: Likely benign. Last evaluated: 2024-11-27. Review status: criteria provided, single submitter. Criteria: ACMG Guidelines, 2015. Collection method: clinical testing. Allele origin: germline.

PreventionGenetics, part of Exact Sciences
Classification: Likely benign for PMFBP1-related condition. Last evaluated: 2022-05-12. Review status: no assertion criteria provided. Collection method: clinical testing. Allele origin: germline. Not counted in ClinVar's aggregate classification.
Comment: This variant is classified as likely benign based on ACMG/AMP sequence variant interpretation guidelines (Richards et al. 2015 PMID: 25741868, with internal and published modifications).